The following is an entry in ClinVar:

ClinVar aggregate classification (germline): Uncertain significance (1 of 4 stars; one submission).

Submission:

Women's Health and Genetics/Laboratory Corporation of America, LabCorp
Classification: Uncertain significance. Last evaluated: 2025-02-10. Review status: criteria provided, single submitter. Criteria: LabCorp Variant Classification Summary - May 2015. Collection method: clinical testing. Allele origin: germline.
Comment: Variant summary: The variant involves the deletion of exons 1-2 in the ROBO2 gene. A presumed nomenclature of c.(?_-688)_(388+1_389-1)del has been designated for the purposes of this classification. The exact breakpoint at the 5' end of this variant is unknown, therefore this deletion may extend upstream of the annotated region of this gene. Although the exact breakpoints of this deletion are not known, it is predicted to remove the initiation codon and result in an absence of protein or a truncation of the encoded protein due to translation initiation at a downstream site. Current evidence is not sufficient to establish loss of function as a mechanism for disease. The variant was absent in 21694 control chromosomes. The available data on variant occurrences in the general population are insufficient to allow any conclusion about variant significance. To our knowledge, no occurrence of c.(?_-688)_(388+1_389-1)del in individuals affected with Vesicoureteral Reflux 2 and no experimental evidence demonstrating its impact on protein function have been reported. No submitters have cited clinical-significance assessments for this variant to ClinVar. Based on the evidence outlined above, the variant was classified as uncertain significance.

NC_000003.11:g.(?_77089249)_(77147492_77526564)del

Gene: ROBO2 (roundabout guidance receptor 2; plus strand). Cytogenetic location: 3p12.3.
Variant type: Deletion.
Identifiers: ClinVar variation 3768622 (VCV003768622.1).